The following is an entry in ClinVar:

ClinVar aggregate classification (germline): Uncertain significance. Review status: criteria provided, multiple submitters, no conflicts (2 of 4 stars). 2 submissions from 2 submitters: Uncertain significance (2). Last evaluated 2025-12-02.

gnomAD v4.1: 10 of 1,613,930 alleles (0.00062%); highest among the groups gnomAD compares: Admixed American, 0.017%; no homozygotes.

Submissions (2):

Ambry Genetics
Classification: Uncertain significance. Last evaluated: 2025-12-02. Review status: criteria provided, single submitter. Criteria: Ambry Variant Classification Scheme 2023. Collection method: clinical testing. Allele origin: germline.

Labcorp Genetics (formerly Invitae), Labcorp
Classification: Uncertain significance. Last evaluated: 2025-01-11. Review status: criteria provided, single submitter. Criteria: Invitae Variant Classification Sherloc (09022015). Collection method: clinical testing. Allele origin: germline.
Comment: This sequence change replaces leucine, which is neutral and non-polar, with phenylalanine, which is neutral and non-polar, at codon 654 of the FAT2 protein (p.Leu654Phe). This variant is present in population databases (rs754056078, gnomAD 0.02%). This variant has not been reported in the literature in individuals affected with FAT2-related conditions. An algorithm developed to predict the effect of missense changes on protein structure and function (PolyPhen-2) suggests that this variant is likely to be disruptive. In summary, the available evidence is currently insufficient to determine the role of this variant in disease. Therefore, it has been classified as a Variant of Uncertain Significance.

NM_001447.3(FAT2):c.1962G>C (p.Leu654Phe)

Gene: FAT2 (FAT atypical cadherin 2; minus strand). Cytogenetic location: 5q33.1.
Variant type: single nucleotide variant.
Coding change: c.1962G>C on transcript NM_001447.3 (MANE Select); coding-DNA position 1962, G replaced by C.
Protein change: p.Leu654Phe; replaces leucine 654 with phenylalanine.
Molecular consequence: missense variant.
Genome position (GRCh38, 1-based): chr5:151,566,970, C>G on the plus strand (G>C on the coding strand, the complement: FAT2 is on the minus strand). VCF-style: chr5-151566970-C-G. GRCh37 (hg19) VCF-style: chr5-150946531-C-G.
Other names: c.1962G>C (NM_001447.2); short protein forms L654F.
Identifiers: ClinVar variation 3658146 (VCV003658146.3).